The following is an entry in ClinVar:

NM_001605.3(AARS1):c.2248C>T (p.Arg750Trp)

Gene: AARS1 (alanyl-tRNA synthetase 1; minus strand). Cytogenetic location: 16q22.1.
Variant type: single nucleotide variant.
Coding change: c.2248C>T on transcript NM_001605.3 (MANE Select); coding-DNA position 2248, C replaced by T.
Protein change: p.Arg750Trp; replaces arginine 750 with tryptophan.
Molecular consequence: missense variant.
Genome position (GRCh38, 1-based): chr16:70,255,766, G>A on the plus strand (C>T on the coding strand, the complement: AARS1 is on the minus strand). VCF-style: chr16-70255766-G-A. GRCh37 (hg19) VCF-style: chr16-70289669-G-A.
Other names: short protein forms R750W.
Identifiers: ClinVar variation 1303974 (VCV001303974.8), dbSNP rs751300562, ClinGen allele CA8140505.

ClinVar aggregate classification (germline): Uncertain significance. Review status: criteria provided, multiple submitters, no conflicts (2 of 4 stars). 3 submissions from 3 submitters: Uncertain significance (3). Last evaluated 2025-05-05.

Conditions:
Developmental and epileptic encephalopathy, 29 (DEE29). Also called: Epileptic encephalopathy, early infantile, 29. Identifiers: Orphanet 442835, MedGen C4225361, MONDO:0014593, OMIM 616339.
Charcot-Marie-Tooth disease type 2. Also called: Charcot-Marie-Tooth type 2. Identifiers: Orphanet 64746, MedGen C0270914, MONDO:0018993.

Allele frequency attached by ClinVar (database versions not stated): ExAC 0.00001.
gnomAD v4.1: 60 of 1,614,024 alleles (0.0037%); highest among the groups gnomAD compares: Admixed American, 0.013%; no homozygotes.

Submissions (3):

Labcorp Genetics (formerly Invitae), Labcorp
Classification: Uncertain significance for Charcot-Marie-Tooth disease type 2. Last evaluated: 2025-05-05. Review status: criteria provided, single submitter. Criteria: Invitae Variant Classification Sherloc (09022015). Collection method: clinical testing. Allele origin: germline.
Comment: This sequence change replaces arginine, which is basic and polar, with tryptophan, which is neutral and slightly polar, at codon 750 of the AARS protein (p.Arg750Trp). This variant is present in population databases (rs751300562, gnomAD 0.006%). This missense change has been observed in individual(s) with clinical features of autosomal recessive developmental and epileptic encephalopathy (PMID: 32571458). ClinVar contains an entry for this variant (Variation ID: 1303974). Invitae Evidence Modeling of protein sequence and biophysical properties (such as structural, functional, and spatial information, amino acid conservation, physicochemical variation, residue mobility, and thermodynamic stability) has been performed for this missense variant. However, the output from this modeling did not meet the statistical confidence thresholds required to predict the impact of this variant on AARS protein function. In summary, the available evidence is currently insufficient to determine the role of this variant in disease. Therefore, it has been classified as a Variant of Uncertain Significance.

Neuberg Centre For Genomic Medicine, NCGM
Classification: Uncertain significance for Developmental and epileptic encephalopathy, 29. Last evaluated: 2023-02-14. Review status: criteria provided, single submitter. Criteria: ACMG Guidelines, 2015. Collection method: clinical testing. Allele origin: germline. Inheritance: Autosomal recessive inheritance. Affected: yes.
Comment: The missense c.2248C>T (p.Arg750Trp) variant in AARS1 gene has been reported in individuals affected with developmental and epileptic encephalopathy (Wu TH et al. 2020). The p.Arg750Trp variant has allele frequency 0.001% in gnomAD Exomes and is novel (not in any individuals) in 1000 Genomes. This variant has been reported to the ClinVar database as Uncertain Significance. The amino acid change p.Arg750Trp in AARS1 is predicted as conserved by GERP++ and PhyloP across 100 vertebrates. The amino acid Arg at position 750 is changed to a Trp changing protein sequence and it might alter its composition and physico-chemical properties. For these reasons, this variant has been classified as Variant of Uncertain Significance (VUS).

GeneDx
Classification: Uncertain significance. Last evaluated: 2020-02-14. Review status: criteria provided, single submitter. Criteria: GeneDx Variant Classification Process June 2021. Collection method: clinical testing. Allele origin: germline. Affected: yes.
Comment: In silico analysis supports that this missense variant has a deleterious effect on protein structure/function; Has not been previously published as pathogenic or benign to our knowledge; This variant is associated with the following publications: (PMID: 32571458)

Literature cited by the submitters: PubMed 32571458 (cited by Labcorp Genetics (formerly Invitae), Labcorp).